The following is an entry in ClinVar:

NM_005689.4(ABCB6):c.551T>C (p.Val184Ala)

Gene: ABCB6 (ATP binding cassette subfamily B member 6 (LAN blood group); minus strand). Cytogenetic location: 2q35.
Variant type: single nucleotide variant.
Coding change: c.551T>C on transcript NM_005689.4 (MANE Select); coding-DNA position 551, T replaced by C.
Protein change: p.Val184Ala; replaces valine 184 with alanine.
Molecular consequence: missense variant. On other transcripts: intron variant (1).
Genome position (GRCh38, 1-based): chr2:219,217,806, A>G on the plus strand (T>C on the coding strand, the complement: ABCB6 is on the minus strand). VCF-style: chr2-219217806-A-G. GRCh37 (hg19) VCF-style: chr2-220082528-A-G.
Other names: c.549+319T>C (NM_001349828.2); short protein forms V184A.
Identifiers: ClinVar variation 3611610 (VCV003611610.2).
Genomic context (GRCh38, chr2:219,217,806, plus strand): 5'-AGACCCAGGACAAACAGCCCTCCAGAGACCACATACCGCAGCACCCACAGGCTAAACTGA[A>G]CCTAGAATGAAATATAAGTGGAGAGAGTATCATTGAGGATAAAATTTCATTGTATTACTA-3'
Protein context (NP_005680.1, residues 174-194): WWARADLGQQ[Val184Ala]QFSLWVLRYV

ClinVar aggregate classification (germline): Uncertain significance (1 of 4 stars; one submission).

gnomAD v4.1: 3 of 1,610,272 alleles (0.00019%); highest among the groups gnomAD compares: Admixed American, 0.0051%; no homozygotes.

Submission:

Labcorp Genetics (formerly Invitae), Labcorp
Classification: Uncertain significance. Last evaluated: 2024-08-04. Review status: criteria provided, single submitter. Criteria: Invitae Variant Classification Sherloc (09022015). Collection method: clinical testing. Allele origin: germline.
Comment: This sequence change replaces valine, which is neutral and non-polar, with alanine, which is neutral and non-polar, at codon 184 of the ABCB6 protein (p.Val184Ala). This variant is present in population databases (no rsID available, gnomAD 0.009%). This variant has not been reported in the literature in individuals affected with ABCB6-related conditions. An algorithm developed to predict the effect of missense changes on protein structure and function (PolyPhen-2) suggests that this variant is likely to be tolerated. In summary, the available evidence is currently insufficient to determine the role of this variant in disease. Therefore, it has been classified as a Variant of Uncertain Significance.